The following is an entry in ClinVar:

ClinVar aggregate classification (germline): Pathogenic. Review status: criteria provided, single submitter (1 of 4 stars). 2 submissions from 2 submitters: Pathogenic (1). 1 of the submissions does not count toward it. Last evaluated 2026-02-09.

Conditions:
Brain small vessel disease 1 with or without ocular anomalies (BSVD1). Also called: Brain small vessel disease with or without ocular anomalies; PORENCEPHALY, TYPE 1, AUTOSOMAL DOMINANT; GOULD SYNDROME 1; BRAIN SMALL VESSEL DISEASE WITH HEMORRHAGE. Identifiers: Orphanet 2940, Orphanet 36383, Orphanet 99810, MedGen C4755307, MONDO:0008289, OMIM 175780.

Submissions (2):

GeneDx
Classification: Pathogenic. Last evaluated: 2026-02-09. Review status: criteria provided, single submitter. Criteria: GeneDx Variant Classification Process June 2021. Collection method: clinical testing. Allele origin: germline.
Comment: Identified in multiple individuals from a single family in the published literature with variable features including porencephaly, intracerebral hemorrhage, and white matter abnormalities (PMID: 23065703); Frameshift variant predicted to result in protein truncation or nonsense mediated decay in a gene for which loss of function is a known mechanism of disease; Not observed at significant frequency in large population cohorts (gnomAD); This variant is associated with the following publications: (PMID: 23065703)

OMIM
Classification: Pathogenic for BRAIN SMALL VESSEL DISEASE 1 WITHOUT OCULAR ANOMALIES. Last evaluated: 2019-03-21. Review status: no assertion criteria provided. Collection method: literature only. Allele origin: germline. Not counted in ClinVar's aggregate classification.

Literature cited by the submitters: Lemmens, R. Personal Communication. 2014. Leuven, Belgium (cited by OMIM).

NM_001845.6(COL4A1):c.2085del (p.Gly696fs)

Gene: COL4A1 (collagen type IV alpha 1 chain; minus strand). Cytogenetic location: 13q34.
Variant type: Deletion.
Coding change: c.2085del on transcript NM_001845.6 (MANE Select); coding-DNA position 2085, one base deleted (C; older notation c.2085delC).
Protein change: p.Gly696fs; shifts the reading frame from glycine 696.
Molecular consequence: frameshift variant.
Genome position (GRCh38, 1-based): chr13:110,183,003, G deleted on the plus strand (C on the coding strand, the reverse complement: COL4A1 is on the minus strand); the first of 6 consecutive G bases (chr13:110,183,003-110,183,008); deleting any one gives the same sequence. VCF-style (leftmost placement, unchanged base first): chr13-110183002-CG-C. GRCh37 (hg19) VCF-style: chr13-110835349-CG-C.
Other names: short protein forms G696fs.
Identifiers: ClinVar variation 161440 (VCV000161440.5), dbSNP rs606231464, ClinGen allele CA272995.
Genomic context (GRCh38, chr13:110,183,002, plus strand): 5'-TCACAGAAGTCACAGGTGGACCAAAGGCTCGGGTCCGTCTGGCAGGGTTACCTTTGGGGC[CG>C]GGGGGCCCTGGAAATCCAATGCCTGGCTGGCCCACAGCGCCCTTCTCTCCTGGCAGGCCT-3'